The following is an entry in ClinVar:

NM_000059.4(BRCA2):c.3460A>T (p.Thr1154Ser)

Gene: BRCA2 (BRCA2 DNA repair associated; plus strand). Cytogenetic location: 13q13.1.
Variant type: single nucleotide variant.
Coding change: c.3460A>T on transcript NM_000059.4 (MANE Select); coding-DNA position 3460, A replaced by T.
Protein change: p.Thr1154Ser; replaces threonine 1154 with serine.
Molecular consequence: missense variant.
Genome position (GRCh38, 1-based): chr13:32,337,815, A>T. VCF-style: chr13-32337815-A-T. GRCh37 (hg19) VCF-style: chr13-32911952-A-T.
Other names: short protein forms T1154S.
Identifiers: ClinVar variation 1692110 (VCV001692110.3), dbSNP rs1555283255, ClinGen allele CA387776742.

ClinVar aggregate classification (germline): Conflicting classifications of pathogenicity. Review status: criteria provided, conflicting classifications (1 of 4 stars). 2 submissions from 2 submitters: Uncertain significance (1); Likely benign (1). Last evaluated 2023-03-23.

Conditions:
Hereditary cancer-predisposing syndrome. Also called: Hereditary Cancer Syndrome; Hereditary neoplastic syndrome; Neoplastic Syndromes, Hereditary; Tumor predisposition. Identifiers: Orphanet 140162, MedGen C0027672, MeSH D009386, MONDO:0015356.

Submissions (2):

University of Washington Department of Laboratory Medicine, University of Washington
Classification: Likely benign for Hereditary cancer-predisposing syndrome. Last evaluated: 2023-03-23. Review status: criteria provided, single submitter. Criteria: Dines et al. (Genet Med. 2020). Collection method: curation. Allele origin: germline.
Comment: Missense variant in a coldspot region where missense variants are very unlikely to be pathogenic (PMID:31911673).

BRCA2 exon 11 coldspot. Reclassification based on statistical prior probability.

Sema4
Classification: Uncertain significance for Hereditary cancer-predisposing syndrome. Last evaluated: 2021-10-02. Review status: criteria provided, single submitter. Criteria: Sema4 Curation Guidelines. Collection method: curation. Allele origin: germline.
Comment: The BRCA2 c.3460A>T (p.T1154S) variant has been reported as a somatic variant in at least 1 individual with lung cancer (PMID: 32587276). This variant was not observed in the large and broad cohorts of the Genome Aggregation Database (PMID: 32461654). This variant has not been reported in ClinVar. Functional studies have not been performed, and in silico predictions of the variant's effect on protein function are inconclusive. Based on the current evidence available, this variant is interpreted as a variant of uncertain significance.

Literature cited by the submitters: PubMed 32587276 (cited by Sema4).